The following is an entry in ClinVar:

NM_000384.3(APOB):c.13231A>C (p.Ile4411Leu)

Gene: APOB (apolipoprotein B; minus strand). Cytogenetic location: 2p24.1.
Variant type: single nucleotide variant.
Coding change: c.13231A>C on transcript NM_000384.3 (MANE Select); coding-DNA position 13231, A replaced by C.
Protein change: p.Ile4411Leu; replaces isoleucine 4411 with leucine.
Molecular consequence: missense variant.
Genome position (GRCh38, 1-based): chr2:21,002,191, T>G on the plus strand (A>C on the coding strand, the complement: APOB is on the minus strand). VCF-style: chr2-21002191-T-G. GRCh37 (hg19) VCF-style: chr2-21225063-T-G.
Other names: short protein forms I4411L.
Identifiers: ClinVar variation 1352577 (VCV001352577.8), dbSNP rs2103346702, ClinGen allele CA345968251.

ClinVar aggregate classification (germline): Uncertain significance (1 of 4 stars; one submission).

Conditions:
Familial hypobetalipoproteinemia 1. Also called: APOB-Related Familial Hypobetalipoproteinemia; Hypobetalipoproteinemia, normotriglyceridemic; Acanthocytosis with hypobetalipoproteinemia. Identifiers: MedGen C4551990, MONDO:0014252, OMIM 615558.
Hypercholesterolemia, autosomal dominant, type B (FHCL2). Also called: APOB-Related Familial Hypercholesterolemia, Autosomal Dominant; HYPERCHOLESTEROLEMIA, FAMILIAL, DUE TO LIGAND-DEFECTIVE APOLIPOPROTEIN B; Hyperlipoproteinemia Type IIb; Familial Hypercholesterolemia Type B; APOLIPOPROTEIN B-100, FAMILIAL DEFECTIVE; APOLIPOPROTEIN B-100, FAMILIAL LIGAND-DEFECTIVE. Identifiers: MedGen C1704417, MONDO:0007751, OMIM 144010.

Submission:

Labcorp Genetics (formerly Invitae), Labcorp
Classification: Uncertain significance for Familial hypobetalipoproteinemia 1; Hypercholesterolemia, autosomal dominant, type B. Last evaluated: 2021-07-31. Review status: criteria provided, single submitter. Criteria: Invitae Variant Classification Sherloc (09022015). Collection method: clinical testing. Allele origin: germline.
Comment: This sequence change replaces isoleucine with leucine at codon 4411 of the APOB protein (p.Ile4411Leu). The isoleucine residue is moderately conserved and there is a small physicochemical difference between isoleucine and leucine. In summary, the available evidence is currently insufficient to determine the role of this variant in disease. Therefore, it has been classified as a Variant of Uncertain Significance. This variant is not present in population databases (ExAC no frequency). This variant has not been reported in the literature in individuals with APOB-related conditions. Algorithms developed to predict the effect of missense changes on protein structure and function output the following: SIFT: "Tolerated"; PolyPhen-2: "Benign"; Align-GVGD: "Class C0". The leucine amino acid residue is found in multiple mammalian species, suggesting that this missense change does not adversely affect protein function. These predictions have not been confirmed by published functional studies and their clinical significance is uncertain.